The following is an entry in ClinVar:

ClinVar aggregate classification (germline): Uncertain significance (1 of 4 stars; one submission).

Conditions:
Cardiovascular phenotype. Identifiers: MedGen CN230736.
Hereditary cancer-predisposing syndrome. Also called: Hereditary Cancer Syndrome; Hereditary neoplastic syndrome; Neoplastic Syndromes, Hereditary; Tumor predisposition. Identifiers: Orphanet 140162, MedGen C0027672, MeSH D009386, MONDO:0015356.

Submission:

Ambry Genetics
Classification: Uncertain significance for Cardiovascular phenotype; Hereditary cancer-predisposing syndrome. Last evaluated: 2021-10-14. Review status: criteria provided, single submitter. Criteria: Ambry Variant Classification Scheme 2023. Collection method: clinical testing. Allele origin: germline.
Comment: The p.L1569S variant (also known as c.4706T>C), located in coding exon 35 of the NF1 gene, results from a T to C substitution at nucleotide position 4706. The leucine at codon 1569 is replaced by serine, an amino acid with dissimilar properties. This amino acid position is highly conserved in available vertebrate species. In addition, this alteration is predicted to be deleterious by in silico analysis. Since supporting evidence is limited at this time, the clinical significance of this alteration remains unclear.

NM_001042492.3(NF1):c.4769T>C (p.Leu1590Ser)

Gene: NF1 (neurofibromin 1; plus strand). Cytogenetic location: 17q11.2.
Variant type: single nucleotide variant.
Coding change: c.4769T>C on transcript NM_001042492.3 (MANE Select); coding-DNA position 4769, T replaced by C.
Protein change: p.Leu1590Ser; replaces leucine 1590 with serine.
Molecular consequence: missense variant.
Genome position (GRCh38, 1-based): chr17:31,265,273, T>C. VCF-style: chr17-31265273-T-C. GRCh37 (hg19) VCF-style: chr17-29592291-T-C.
Other names: c.4706T>C, p.Leu1569Ser (NM_000267.4); short protein forms L1569S, L1590S.
Identifiers: ClinVar variation 1742570 (VCV001742570.2), dbSNP rs2067765689, ClinGen allele CA399001248.